The following is an entry in ClinVar:

NM_000038.6(APC):c.2386T>C (p.Tyr796His)

Gene: APC (APC regulator of Wnt signaling pathway; plus strand). Cytogenetic location: 5q22.2.
Variant type: single nucleotide variant.
Coding change: c.2386T>C on transcript NM_000038.6 (MANE Select); coding-DNA position 2386, T replaced by C.
Protein change: p.Tyr796His; replaces tyrosine 796 with histidine.
Molecular consequence: missense variant.
Genome position (GRCh38, 1-based): chr5:112,837,980, T>C. VCF-style: chr5-112837980-T-C. GRCh37 (hg19) VCF-style: chr5-112173677-T-C.
Other names: p.Y796H:TAT>CAT; c.2386T>C, p.Tyr796His (NM_001127510.3, NM_001354895.2); c.2332T>C, p.Tyr778His (NM_001127511.3); c.2440T>C, p.Tyr814His (NM_001354896.2); c.2416T>C, p.Tyr806His (NM_001354897.2); c.2311T>C, p.Tyr771His (NM_001354898.2); c.2302T>C, p.Tyr768His (NM_001354899.2); c.2263T>C, p.Tyr755His (NM_001354900.2); and 6 more; short protein forms Y796H, Y778H, Y513H, Y670H, Y814H, Y695H, Y771H, Y806H.
Identifiers: ClinVar variation 127280 (VCV000127280.4), dbSNP rs77985571, ClinGen allele CA007398.

ClinVar aggregate classification (germline): Uncertain significance. Review status: criteria provided, multiple submitters, no conflicts (2 of 4 stars). 2 submissions from 2 submitters: Uncertain significance (2). Last evaluated 2024-02-22.

Conditions:
Familial adenomatous polyposis 1 (FAP1). Also called: FAMILIAL ADENOMATOUS POLYPOSIS 1, ATTENUATED; POLYPOSIS, ADENOMATOUS INTESTINAL. Identifiers: MedGen C2713442, MONDO:0021056, OMIM 175100. Disease mechanism: loss of function.

Allele frequency attached by ClinVar (database versions not stated): gnomAD exomes below 0.00001.
gnomAD v4.1: 1 of 1,614,170 alleles (0.000062%); highest among the groups gnomAD compares: African/African-American, 0.0013%; no homozygotes.

Submissions (2):

Labcorp Genetics (formerly Invitae), Labcorp
Classification: Uncertain significance for Familial adenomatous polyposis 1. Last evaluated: 2024-02-22. Review status: criteria provided, single submitter. Criteria: Invitae Variant Classification Sherloc (09022015). Collection method: clinical testing. Allele origin: germline.
Comment: This sequence change replaces tyrosine, which is neutral and polar, with histidine, which is basic and polar, at codon 796 of the APC protein (p.Tyr796His). This variant is not present in population databases (gnomAD no frequency). This variant has not been reported in the literature in individuals affected with APC-related conditions. ClinVar contains an entry for this variant (Variation ID: 127280). Advanced modeling of protein sequence and biophysical properties (such as structural, functional, and spatial information, amino acid conservation, physicochemical variation, residue mobility, and thermodynamic stability) performed at Invitae indicates that this missense variant is not expected to disrupt APC protein function with a negative predictive value of 95%. In summary, the available evidence is currently insufficient to determine the role of this variant in disease. Therefore, it has been classified as a Variant of Uncertain Significance.

GeneDx
Classification: Uncertain significance. Last evaluated: 2013-10-02. Review status: criteria provided, single submitter. Criteria: GeneDx Variant Classification (06012015). Collection method: clinical testing. Allele origin: germline. Affected: yes.
Comment: This variant is denoted APC c.2386T>C at the cDNA level and p.Tyr796His (Y796H) at the protein level, and results in the change of a Tyrosine to a Histidine (TAT>CAT) in exon 16. This variant is a non-conservative substitution of a neutral amino acid for a positive one at a position that is well conserved throughout evolution. This variant was not observed in approximately 6,500 individuals of European and African American ancestry in the NHLBI ESP Exome Variant Server, suggesting it is not a common benign variant in these populations. This variant is not located in a known functional domain, and in silico analyses are inconsistent with regard to the effect this variant may have on protein structure and function. This variant has not, to our knowledge, been published in the literature as either a mutation or a polymorphism. The currently available information is not sufficient to classify APC Y796H as either pathogenic or benign; we therefore consider it to be a variant of unknown significance. The variant is found in COLO-HEREDIC panel(s).